The following is an entry in ClinVar:

NM_000135.4(FANCA):c.4215G>T (p.Gln1405His)

Genes: FANCA (FA complementation group A; minus strand), ZNF276 (zinc finger protein 276; plus strand). Cytogenetic location: 16q24.3.
Variant type: single nucleotide variant.
Coding change: c.4215G>T on transcript NM_000135.4 (MANE Select); coding-DNA position 4215, G replaced by T.
Protein change: p.Gln1405His; replaces glutamine 1405 with histidine.
Molecular consequence: missense variant. On other transcripts: 3 prime UTR variant (2), non-coding transcript variant (4).
Genome position (GRCh38, 1-based): chr16:89,738,927, C>A on the plus strand (G>T on the coding strand, the complement: FANCA is on the minus strand). VCF-style: chr16-89738927-C-A. GRCh37 (hg19) VCF-style: chr16-89805335-C-A.
Other names: c.4219G>T, p.Val1407Phe (NM_001286167.3); c.*681C>A (NM_001113525.2, NM_152287.4); short protein forms Q1405H, V1407F.
Identifiers: ClinVar variation 5036395 (VCV005036395.1).
Genomic context (GRCh38, chr16:89,738,927, plus strand): 5'-GCATCTTGACGTTACCTCTGCCACGTGTGAGAAGCTCTTTTTCGGGCACCGAGGTATTAA[C>A]TGCAGCAGAAAAAGACGAGCTTTTGTTATCAGTTCCACGGGGTTGCCCTAGAGAGAAAAC-3'
Protein context (NP_000126.2, residues 1395-1415): LITKARLFLL[Gln1405His]LIPRCPKKSF

ClinVar aggregate classification (germline): Uncertain significance (1 of 4 stars; one submission).

Conditions:
Inborn genetic diseases. Identifiers: MedGen C0950123, MeSH D030342.

Submission:

Ambry Genetics
Classification: Uncertain significance for Inborn genetic diseases. Last evaluated: 2026-08-05. Review status: criteria provided, single submitter. Criteria: Ambry Variant Classification Scheme 2023. Collection method: clinical testing. Allele origin: germline.
Comment: The p.Q1405H variant (also known as c.4215G>T), located in coding exon 42 of the FANCA gene, results from a G to T substitution at nucleotide position 4215. The glutamine at codon 1405 is replaced by histidine, an amino acid with highly similar properties. This amino acid position is conserved. In addition, this alteration is predicted to be tolerated by in silico analysis. Based on the available evidence, the clinical significance of this variant remains unclear.